The following is an entry in ClinVar:

NM_015057.5(MYCBP2):c.12065C>T (p.Ala4022Val)

Gene: MYCBP2 (MYC binding protein 2; minus strand). Cytogenetic location: 13q22.3.
Variant type: single nucleotide variant.
Coding change: c.12065C>T on transcript NM_015057.5 (MANE Select); coding-DNA position 12065, C replaced by T.
Protein change: p.Ala4022Val; replaces alanine 4022 with valine.
Molecular consequence: missense variant.
Genome position (GRCh38, 1-based): chr13:77,068,671, G>A on the plus strand (C>T on the coding strand, the complement: MYCBP2 is on the minus strand). VCF-style: chr13-77068671-G-A. GRCh37 (hg19) VCF-style: chr13-77642806-G-A.
Other names: short protein forms A4022V.
Identifiers: ClinVar variation 3345915 (VCV003345915.1).

ClinVar aggregate classification (germline): Uncertain significance (0 of 4 stars; one submission).

Conditions:
MYCBP2-related disorder. Also called: MYCBP2-related condition.

Submission:

PreventionGenetics, part of Exact Sciences
Classification: Uncertain significance for MYCBP2-related condition. Last evaluated: 2024-09-19. Review status: no assertion criteria provided. Collection method: clinical testing. Allele origin: germline.
Comment: The MYCBP2 c.12065C>T variant is predicted to result in the amino acid substitution p.Ala4022Val. To our knowledge, this variant has not been reported in the literature or in a large population database, indicating this variant is rare. At this time, the clinical significance of this variant is uncertain due to the absence of conclusive functional and genetic evidence.